The following is an entry in ClinVar:

NM_006445.4(PRPF8):c.4812G>C (p.Leu1604=)

Gene: PRPF8 (pre-mRNA processing factor 8; minus strand). Cytogenetic location: 17p13.3.
Variant type: single nucleotide variant.
Coding change: c.4812G>C on transcript NM_006445.4 (MANE Select); coding-DNA position 4812, G replaced by C.
Protein change: p.Leu1604=; no amino-acid change (leucine 1604 retained).
Molecular consequence: synonymous variant.
Genome position (GRCh38, 1-based): chr17:1,659,975, C>G on the plus strand (G>C on the coding strand, the complement: PRPF8 is on the minus strand). VCF-style: chr17-1659975-C-G. GRCh37 (hg19) VCF-style: chr17-1563269-C-G.
Identifiers: ClinVar variation 3067792 (VCV003067792.21), dbSNP rs2543730636, ClinGen allele CA497295873.

ClinVar aggregate classification (germline): Likely benign (1 of 4 stars; one submission).

Submission:

CeGaT Center for Human Genetics Tuebingen
Classification: Likely benign. Last evaluated: 2024-03-01. Review status: criteria provided, single submitter. Criteria: CeGaT Center For Human Genetics Tuebingen Variant Classification Criteria Version 2. Collection method: clinical testing. Allele origin: germline. Affected: yes. Observed: 1 variant allele.
Comment: PRPF8: PM2:Supporting, BP4, BP7